The following is an entry in ClinVar:

ClinVar aggregate classification (germline): Conflicting classifications of pathogenicity. Review status: criteria provided, conflicting classifications (1 of 4 stars). 11 submissions from 11 submitters: Uncertain significance (10); Likely benign (1). Last evaluated 2025-11-18.

Conditions:
Familial cancer of breast. Also called: BREAST CANCER, FAMILIAL; Hereditary breast cancer; hereditary breast carcinoma. Identifiers: Orphanet 227535, MedGen C0346153, MONDO:0016419, OMIM 114480. Disease mechanism: loss of function.
Ovarian cancer. Also called: OVARIAN CANCER, SOMATIC. Identifiers: Orphanet 213500, MedGen C1140680, MONDO:0008170, OMIM 167000.
Hereditary cancer-predisposing syndrome. Also called: Tumor predisposition; Hereditary Cancer Syndrome; Neoplastic Syndromes, Hereditary; Hereditary neoplastic syndrome. Identifiers: Orphanet 140162, MedGen C0027672, MeSH D009386, MONDO:0015356.
Hereditary diffuse gastric adenocarcinoma (HDGC). Also called: DIFFUSE GASTRIC AND LOBULAR BREAST CANCER SYNDROME. Identifiers: Orphanet 26106, MedGen C1708349, MONDO:0007648, OMIM 137215.

Allele frequency attached by ClinVar (database versions not stated): gnomAD below 0.00001 and 0.00001; gnomAD exomes 0.00001.
gnomAD v4.1: 15 of 1,613,924 alleles (0.00093%); highest among the groups gnomAD compares: Middle Eastern, 0.016%; no homozygotes.

Submissions (11):

Labcorp Genetics (formerly Invitae), Labcorp
Classification: Uncertain significance for Hereditary diffuse gastric adenocarcinoma. Last evaluated: 2025-11-18. Review status: criteria provided, single submitter. Criteria: Invitae Variant Classification Sherloc (09022015). Collection method: clinical testing. Allele origin: germline.
Comment: This sequence change replaces valine, which is neutral and non-polar, with isoleucine, which is neutral and non-polar, at codon 694 of the CDH1 protein (p.Val694Ile). This variant is present in population databases (rs587780118, gnomAD 0.006%). This missense change has been observed in individual(s) with clinical features of CDH1-related conditions (PMID: 36436516). ClinVar contains an entry for this variant (Variation ID: 127920). An algorithm developed to predict the effect of missense changes on protein structure and function outputs the following: PolyPhen-2: "Benign". The isoleucine amino acid residue is found in multiple mammalian species, which suggests that this missense change does not adversely affect protein function. In summary, the available evidence is currently insufficient to determine the role of this variant in disease. Therefore, it has been classified as a Variant of Uncertain Significance.

Color Diagnostics, LLC DBA Color Health
Classification: Uncertain significance for Hereditary cancer-predisposing syndrome. Last evaluated: 2025-09-09. Review status: criteria provided, single submitter. Criteria: ACMG Guidelines, 2015. Collection method: clinical testing. Allele origin: germline.
Comment: This missense variant replaces valine with isoleucine at codon 694 of the CDH1 protein. To our knowledge, functional studies have not been performed for this variant. This variant has been reported in breast cancer and pancreatic cancer case-control studies in 1/60466 breast cancer cases and 1/53461 unaffected individuals (PMID: 33471991Leiden Open Variation Database DB-ID CDH1_000289), absent in 53 male breast cancer cases and present in 1/12490 unaffected male controls (PMID: 30287823) and absent in 1005 pancreatic cancer cases and present in 1/23705 unaffected individuals (PMID: 32980694). This variant also has been reported in two individuals affected with cancer that was not breast nor gastric cancer and an individual with a family history of breast cancer (PMID: 36436516). This variant has been identified in 2/251380 chromosomes in the general population by the Genome Aggregation Database (gnomAD). The available evidence is insufficient to determine the role of this variant in disease conclusively. Therefore, this variant is classified as a Variant of Uncertain Significance.

KCCC/NGS Laboratory, Kuwait Cancer Control Center
Classification: Uncertain significance for Hereditary diffuse gastric adenocarcinoma. Last evaluated: 2025-07-07. Review status: criteria provided, single submitter. Criteria: ACMG Guidelines, 2015. Collection method: clinical testing. Allele origin: germline. Inheritance: Autosomal dominant inheritance. Affected: yes. Observed: 1 heterozygote.
Comment: This sequence change replaces valine, which is neutral and nonpolar, with isoleucine, which is neutral and non-polar, at codon 694 of the CDH1 protein (p.Val694Ile). This variant is present in population databases (rs587780118, gnomAD 0.006%). This missense change has been observed in individual(s) with clinical features of CDH1-related conditions (PMID: 30287823, 15235021, 22850631, 24690483, 32175104). ClinVar contains an entry for this variant (Variation ID: 127920).In silico analysis supports that this missense variant does not alter protein structure/function.Splice site prediction tools suggest that this variant may not impact RNA splicing. To our knowledge, functional studies have not been performed for this variant. In summary, the available evidence is currently insufficient to determine the role of this variant in disease. Therefore, it has been classified as a Variant of Uncertain Significance.

Center for Genomic Medicine, Rigshospitalet, Copenhagen University Hospital
Classification: Uncertain significance. Last evaluated: 2025-03-04. Review status: criteria provided, single submitter. Criteria: ACMG Guidelines, 2015. Collection method: clinical testing. Allele origin: germline.

Women's Health and Genetics/Laboratory Corporation of America, LabCorp
Classification: Uncertain significance. Last evaluated: 2024-06-24. Review status: criteria provided, single submitter. Criteria: LabCorp Variant Classification Summary - May 2015. Collection method: clinical testing. Allele origin: germline.
Comment: Variant summary: CDH1 c.2080G>A (p.Val694Ile) results in a conservative amino acid change located in the Cadherin-like domain (IPR002126) of the encoded protein sequence. Five of five in-silico tools predict a benign effect of the variant on protein function. The variant allele was found at a frequency of 8e-06 in 251380 control chromosomes (gnomAD). The available data on variant occurrences in the general population are insufficient to allow any conclusion about variant significance. c.2080G>A has been reported in the literature in an individual(s) affected with breast cancer as well as unaffected controls (e.g. Momozawa_2018, Dorling_2021). These reports do not provide unequivocal conclusions about association of the variant with Hereditary Diffuse Gastric Cancer. To our knowledge, no experimental evidence demonstrating an impact on protein function has been reported. The following publications have been ascertained in the context of this evaluation (PMID: 24690483, 30287823, 33471991). ClinVar contains an entry for this variant (Variation ID: 127920). Based on the evidence outlined above, the variant was classified as uncertain significance.

Department of Pathology and Laboratory Medicine, Sinai Health System
Classification: Uncertain significance for Familial cancer of breast; Ovarian cancer. Last evaluated: 2024-05-07. Review status: criteria provided, single submitter. Criteria: ACMG Guidelines, 2015. Collection method: clinical testing. Allele origin: germline. Affected: yes.

GeneDx
Classification: Uncertain significance. Last evaluated: 2023-05-12. Review status: criteria provided, single submitter. Criteria: GeneDx Variant Classification Process June 2021. Collection method: clinical testing. Allele origin: germline. Affected: yes.
Comment: Not observed at significant frequency in large population cohorts (gnomAD); In silico analysis supports that this missense variant does not alter protein structure/function; Has not been previously published as pathogenic or benign to our knowledge; This variant is associated with the following publications: (PMID: 30287823, 15235021, 22850631, 24690483, 32175104)

Quest Diagnostics Nichols Institute San Juan Capistrano
Classification: Uncertain significance. Last evaluated: 2022-09-22. Review status: criteria provided, single submitter. Criteria: Quest Diagnostics criteria. Collection method: clinical testing. Allele origin: unknown.
Comment: The frequency of this variant in the general population, 0.000008 (2/251380 chromosomes), is uninformative in assessment of its pathogenicity. In the published literature, the variant has been reported as a somatic variant in gastric tumor tissue (PMIDs: 24690483 (2014) and 26486520 (2015)). Additionally, the variant has been seen in individuals with breast cancer (PMID: 33471991 (2021), see also LOVD) and unaffected individuals (PMIDs: 30287823 (2018) and 33471991 (2021), see also LOVD. Analysis of this variant using bioinformatics tools for the prediction of the effect of amino acid changes on protein structure and function yielded predictions that this variant is benign. Based on the available information, we are unable to determine the clinical significance of this variant.

European Reference Network on Genetic Tumour Risk Syndromes (ERN-GENTURIS), i3s - Instituto de Investigação e Inovação em Saúde, University of Porto
Classification: Uncertain significance for Hereditary diffuse gastric adenocarcinoma. Last evaluated: 2022-08-01. Review status: criteria provided, single submitter. Criteria: Lee et al. (Hum Mutat. 2018). Collection method: clinical testing. Allele origin: germline. Inheritance: Autosomal dominant inheritance. Affected: no. Study: ERN GENTURIS.
Comment: PM2; BS2_Supporting (PMID: 30311375)

MGZ Medical Genetics Center
Classification: Uncertain significance for Familial cancer of breast. Last evaluated: 2022-02-28. Review status: criteria provided, single submitter. Criteria: ACMG Guidelines, 2015. Collection method: clinical testing. Allele origin: germline. Affected: yes. Observed: 1 variant allele.
Comment: ACMG criteria applied: PM2_SUP, BP4

Ambry Genetics
Classification: Likely benign for Hereditary cancer-predisposing syndrome. Last evaluated: 2017-02-01. Review status: criteria provided, single submitter. Criteria: Ambry Variant Classification Scheme 2023. Collection method: clinical testing. Allele origin: germline.

Literature cited by the submitters: PubMed 36436516 (cited by 3 submitters); PubMed 30287823 (cited by 3 submitters); PubMed 32980694 (cited by Color Diagnostics, LLC DBA Color Health); PubMed 33471991 (cited by 3 submitters); PubMed 24690483 (cited by Women's Health and Genetics/Laboratory Corporation of America, LabCorp and Quest Diagnostics Nichols Institute San Juan Capistrano); PubMed 26486520 (cited by Quest Diagnostics Nichols Institute San Juan Capistrano).

NM_004360.5(CDH1):c.2080G>A (p.Val694Ile)

Gene: CDH1 (cadherin 1; plus strand). Cytogenetic location: 16q22.1.
Variant type: single nucleotide variant.
Coding change: c.2080G>A on transcript NM_004360.5 (MANE Select); coding-DNA position 2080, G replaced by A.
Protein change: p.Val694Ile; replaces valine 694 with isoleucine.
Molecular consequence: missense variant.
Genome position (GRCh38, 1-based): chr16:68,823,542, G>A. VCF-style: chr16-68823542-G-A. GRCh37 (hg19) VCF-style: chr16-68857445-G-A.
Other names: p.V694I:GTC>ATC; c.2080G>A (LRG_301t1); c.1897G>A, p.Val633Ile (NM_001317184.2); c.532G>A, p.Val178Ile (NM_001317185.2); c.115G>A, p.Val39Ile (NM_001317186.2); short protein forms V694I, V633I, V178I, V39I.
Identifiers: ClinVar variation 127920 (VCV000127920.30), dbSNP rs587780118, ClinGen allele CA288051.